The following is an entry in ClinVar:

NM_017934.7(PHIP):c.2323C>A (p.His775Asn)

Gene: PHIP (PHIP subunit of CUL4-Ring ligase complex; minus strand). Cytogenetic location: 6q14.1.
Variant type: single nucleotide variant.
Coding change: c.2323C>A on transcript NM_017934.7 (MANE Select); coding-DNA position 2323, C replaced by A.
Protein change: p.His775Asn; replaces histidine 775 with asparagine.
Molecular consequence: missense variant.
Genome position (GRCh38, 1-based): chr6:78,988,346, G>T on the plus strand (C>A on the coding strand, the complement: PHIP is on the minus strand). VCF-style: chr6-78988346-G-T. GRCh37 (hg19) VCF-style: chr6-79698063-G-T.
Other names: short protein forms H775N.
Identifiers: ClinVar variation 3350890 (VCV003350890.3).
Genomic context (GRCh38, chr6:78,988,346, plus strand): 5'-TGTGTTGATTTGTCTGTTGCTTTTTGGATTCTCCAAGATCCAGGAAATGCTCATGAGCAT[G>T]ATTCTAGAAAAAAATAAATTAAATTTATTCACAGATTGTTTAAAGAGCAGGATTTTTAGT-3'
Protein context (NP_060404.4, residues 765-785): ENKIPTVSKN[His775Asn]AHEHFLDLGE

ClinVar aggregate classification (germline): Uncertain significance. Review status: criteria provided, single submitter (1 of 4 stars). 2 submissions from 2 submitters: Uncertain significance (1). 1 of the submissions does not count toward it. Last evaluated 2024-03-04.

Conditions:
PHIP-related disorder. Also called: PHIP-related condition; PHIP-related disorders.

gnomAD v4.1: 31 of 1,574,052 alleles (0.002%); highest among the groups gnomAD compares: South Asian, 0.027%; no homozygotes.

Submissions (2):

Labcorp Genetics (formerly Invitae), Labcorp
Classification: Uncertain significance. Last evaluated: 2024-03-04. Review status: criteria provided, single submitter. Criteria: Invitae Variant Classification Sherloc (09022015). Collection method: clinical testing. Allele origin: germline.
Comment: This sequence change replaces histidine, which is basic and polar, with asparagine, which is neutral and polar, at codon 775 of the PHIP protein (p.His775Asn). This variant is present in population databases (rs750907189, gnomAD 0.04%). This variant has not been reported in the literature in individuals affected with PHIP-related conditions. Experimental studies and prediction algorithms are not available or were not evaluated, and the functional significance of this variant is currently unknown. In summary, the available evidence is currently insufficient to determine the role of this variant in disease. Therefore, it has been classified as a Variant of Uncertain Significance.

PreventionGenetics, part of Exact Sciences
Classification: Uncertain significance for PHIP-related condition. Last evaluated: 2024-09-21. Review status: no assertion criteria provided. Collection method: clinical testing. Allele origin: germline. Not counted in ClinVar's aggregate classification.
Comment: The PHIP c.2323C>A variant is predicted to result in the amino acid substitution p.His775Asn. To our knowledge, this variant has not been reported in the literature. This variant is reported in 0.036% of alleles in individuals of South Asian descent in gnomAD, which is likely too common for an undocumented disease-causing variant. Although we suspect that this variant may be benign, at this time, the clinical significance of this variant is uncertain due to the absence of conclusive functional and genetic evidence.